The following is an entry in ClinVar:

NM_000396.4(CTSK):c.454C>T (p.Leu152Phe)

Gene: CTSK (cathepsin K; minus strand). Cytogenetic location: 1q21.3.
Variant type: single nucleotide variant.
Coding change: c.454C>T on transcript NM_000396.4 (MANE Select); coding-DNA position 454, C replaced by T.
Protein change: p.Leu152Phe; replaces leucine 152 with phenylalanine.
Molecular consequence: missense variant.
Genome position (GRCh38, 1-based): chr1:150,804,185, G>A on the plus strand (C>T on the coding strand, the complement: CTSK is on the minus strand). VCF-style: chr1-150804185-G-A. GRCh37 (hg19) VCF-style: chr1-150776661-G-A.
Other names: short protein forms L152F.
Identifiers: ClinVar variation 2147339 (VCV002147339.1), dbSNP rs1654044239, ClinGen allele CA342336683.
Genomic context (GRCh38, chr1:150,804,185, plus strand): 5'-ACACACAATCCACTAGGTTCTGGGGACTCAGATTTAAGAGTTTGCCAGTTTTCTTCTTGA[G>A]TTGGCCCTCCAGGGCACCCACAGAGCTAAAAGCCCAACAGGAACCACACTGACCCTGAAA-3'
Protein context (NP_000387.1, residues 142-162): FSSVGALEGQ[Leu152Phe]KKKTGKLLNL

ClinVar aggregate classification (germline): Uncertain significance (1 of 4 stars; one submission).

Allele frequency attached by ClinVar (database versions not stated): gnomAD exomes below 0.00001; TOPMed below 0.00001.
gnomAD v4.1: 1 of 1,614,150 alleles (0.000062%); highest among the groups gnomAD compares: Middle Eastern, 0.016%; no homozygotes.

Submission:

Labcorp Genetics (formerly Invitae), Labcorp
Classification: Uncertain significance. Last evaluated: 2022-08-17. Review status: criteria provided, single submitter. Criteria: Invitae Variant Classification Sherloc (09022015). Collection method: clinical testing. Allele origin: germline.
Comment: This sequence change replaces leucine, which is neutral and non-polar, with phenylalanine, which is neutral and non-polar, at codon 152 of the CTSK protein (p.Leu152Phe). This variant is not present in population databases (gnomAD no frequency). This variant has not been reported in the literature in individuals affected with CTSK-related conditions. Algorithms developed to predict the effect of missense changes on protein structure and function are either unavailable or do not agree on the potential impact of this missense change (SIFT: "Tolerated"; PolyPhen-2: "Probably Damaging"; Align-GVGD: "Class C0"). In summary, the available evidence is currently insufficient to determine the role of this variant in disease. Therefore, it has been classified as a Variant of Uncertain Significance.